The following is an entry in ClinVar:

ClinVar aggregate classification (germline): Likely benign (1 of 4 stars; one submission).

Allele frequency attached by ClinVar (database versions not stated): ExAC 0.00001; gnomAD 0.00001; gnomAD exomes 0.00004.
gnomAD v4.1: 56 of 1,565,842 alleles (0.0036%); highest among the groups gnomAD compares: Non-Finnish European, 0.0047%; no homozygotes.

Submission:

CeGaT Center for Human Genetics Tuebingen
Classification: Likely benign. Last evaluated: 2022-05-01. Review status: criteria provided, single submitter. Criteria: CeGaT Center For Human Genetics Tuebingen Variant Classification Criteria Version 2. Collection method: clinical testing. Allele origin: germline. Affected: yes. Observed: 1 variant allele.
Comment: IGFBP4: BP4

NM_001552.3(IGFBP4):c.500G>A (p.Arg167Gln)

Gene: IGFBP4 (insulin like growth factor binding protein 4; plus strand). Cytogenetic location: 17q21.2.
Variant type: single nucleotide variant.
Coding change: c.500G>A on transcript NM_001552.3 (MANE Select); coding-DNA position 500, G replaced by A.
Protein change: p.Arg167Gln; replaces arginine 167 with glutamine.
Molecular consequence: missense variant.
Genome position (GRCh38, 1-based): chr17:40,453,135, G>A. VCF-style: chr17-40453135-G-A. GRCh37 (hg19) VCF-style: chr17-38609387-G-A.
Other names: short protein forms R167Q.
Identifiers: ClinVar variation 2647741 (VCV002647741.24), dbSNP rs765348570, ClinGen allele CA8543990.